The following is an entry in ClinVar:

ClinVar aggregate classification (germline): Uncertain significance. Review status: criteria provided, multiple submitters, no conflicts (2 of 4 stars). 3 submissions from 3 submitters: Uncertain significance (3). Last evaluated 2024-05-01.

Conditions:
Hereditary cancer-predisposing syndrome. Also called: Hereditary neoplastic syndrome; Neoplastic Syndromes, Hereditary; Tumor predisposition; Hereditary Cancer Syndrome. Identifiers: Orphanet 140162, MedGen C0027672, MeSH D009386, MONDO:0015356.
Fanconi anemia complementation group J. Also called: BRIP1-Related Fanconi Anemia. Identifiers: Orphanet 84, MedGen C1836860, MONDO:0012187, OMIM 609054.
Familial cancer of breast. Also called: BREAST CANCER, FAMILIAL; Hereditary breast cancer; hereditary breast carcinoma. Identifiers: Orphanet 227535, MedGen C0346153, MONDO:0016419, OMIM 114480. Disease mechanism: loss of function.

Allele frequency attached by ClinVar (database versions not stated): gnomAD exomes below 0.00001.
gnomAD v4.1: 1 of 1,613,088 alleles (0.000062%); highest among the groups gnomAD compares: Non-Finnish European, 0.000085%; no homozygotes.

Submissions (3):

Ambry Genetics
Classification: Uncertain significance for Hereditary cancer-predisposing syndrome. Last evaluated: 2024-05-01. Review status: criteria provided, single submitter. Criteria: Ambry Variant Classification Scheme 2023. Collection method: clinical testing. Allele origin: germline.
Comment: The p.E1220K variant (also known as c.3658G>A), located in coding exon 19 of the BRIP1 gene, results from a G to A substitution at nucleotide position 3658. The glutamic acid at codon 1220 is replaced by lysine, an amino acid with similar properties. This amino acid position is well conserved in available vertebrate species. In addition, this alteration is predicted to be tolerated by in silico analysis. Since supporting evidence is limited at this time, the clinical significance of this alteration remains unclear.

Labcorp Genetics (formerly Invitae), Labcorp
Classification: Uncertain significance for Familial cancer of breast; Fanconi anemia complementation group J. Last evaluated: 2023-06-04. Review status: criteria provided, single submitter. Criteria: Invitae Variant Classification Sherloc (09022015). Collection method: clinical testing. Allele origin: germline.
Comment: In summary, the available evidence is currently insufficient to determine the role of this variant in disease. Therefore, it has been classified as a Variant of Uncertain Significance. Algorithms developed to predict the effect of missense changes on protein structure and function output the following: SIFT: "Not Available"; PolyPhen-2: "Benign"; Align-GVGD: "Not Available". The lysine amino acid residue is found in multiple mammalian species, which suggests that this missense change does not adversely affect protein function. ClinVar contains an entry for this variant (Variation ID: 483211). This variant has not been reported in the literature in individuals affected with BRIP1-related conditions. This variant is not present in population databases (gnomAD no frequency). This sequence change replaces glutamic acid, which is acidic and polar, with lysine, which is basic and polar, at codon 1220 of the BRIP1 protein (p.Glu1220Lys).

Color Diagnostics, LLC DBA Color Health
Classification: Uncertain significance for Hereditary cancer-predisposing syndrome. Last evaluated: 2019-04-03. Review status: criteria provided, single submitter. Criteria: ACMG Guidelines, 2015. Collection method: clinical testing. Allele origin: germline.

NM_032043.3(BRIP1):c.3658G>A (p.Glu1220Lys)

Gene: BRIP1 (BRCA1 interacting DNA helicase 1; minus strand). Cytogenetic location: 17q23.2.
Variant type: single nucleotide variant.
Coding change: c.3658G>A on transcript NM_032043.3 (MANE Select); coding-DNA position 3658, G replaced by A.
Protein change: p.Glu1220Lys; replaces glutamic acid 1220 with lysine.
Molecular consequence: missense variant.
Genome position (GRCh38, 1-based): chr17:61,683,388, C>T on the plus strand (G>A on the coding strand, the complement: BRIP1 is on the minus strand). VCF-style: chr17-61683388-C-T. GRCh37 (hg19) VCF-style: chr17-59760749-C-T.
Other names: short protein forms E1220K.
Identifiers: ClinVar variation 483211 (VCV000483211.19), dbSNP rs1555572476, ClinGen allele CA400477885.